The following is an entry in ClinVar:

ClinVar aggregate classification (germline): Uncertain significance (1 of 4 stars; one submission).

Conditions:
Autosomal recessive limb-girdle muscular dystrophy type 2A (LGMDR1). Also called: Limb-girdle muscular dystrophy, type 2A; Muscular dystrophy, limb-girdle, type 2A, Amish; LEYDEN-MOEBIUS MUSCULAR DYSTROPHY; MUSCULAR DYSTROPHY, PELVOFEMORAL; Calpainopathy. Identifiers: Orphanet 267, MedGen C1869123, MONDO:0009675, OMIM 253600. Disease mechanism: loss of function.

Submission:

Labcorp Genetics (formerly Invitae), Labcorp
Classification: Uncertain significance for Autosomal recessive limb-girdle muscular dystrophy type 2A. Last evaluated: 2021-08-21. Review status: criteria provided, single submitter. Criteria: Invitae Variant Classification Sherloc (09022015). Collection method: clinical testing. Allele origin: germline.
Comment: This sequence change replaces tyrosine with histidine at codon 216 of the CAPN3 protein (p.Tyr216His). The tyrosine residue is highly conserved and there is a moderate physicochemical difference between tyrosine and histidine. This variant is not present in population databases (ExAC no frequency). This variant has not been reported in the literature in individuals affected with CAPN3-related conditions. Advanced modeling of protein sequence and biophysical properties (such as structural, functional, and spatial information, amino acid conservation, physicochemical variation, residue mobility, and thermodynamic stability) performed at Invitae indicates that this missense variant is expected to disrupt CAPN3 protein function. In summary, the available evidence is currently insufficient to determine the role of this variant in disease. Therefore, it has been classified as a Variant of Uncertain Significance.

NM_000070.3(CAPN3):c.646T>C (p.Tyr216His)

Gene: CAPN3 (calpain 3; plus strand). Cytogenetic location: 15q15.1.
Variant type: single nucleotide variant.
Coding change: c.646T>C on transcript NM_000070.3 (MANE Select); coding-DNA position 646, T replaced by C.
Protein change: p.Tyr216His; replaces tyrosine 216 with histidine.
Molecular consequence: missense variant.
Genome position (GRCh38, 1-based): chr15:42,388,941, T>C. VCF-style: chr15-42388941-T-C. GRCh37 (hg19) VCF-style: chr15-42681139-T-C.
Other names: c.646T>C, p.Tyr216His (NM_024344.2, NM_173087.2); short protein forms Y216H.
Identifiers: ClinVar variation 1450477 (VCV001450477.6), dbSNP rs2141167665, ClinGen allele CA391998066.